The following is an entry in ClinVar:

ClinVar aggregate classification (germline): Uncertain significance (0 of 4 stars; one submission).

Conditions:
Prostate cancer. Also called: Malignant tumor of prostate. Identifiers: Orphanet 1331, MedGen C0376358, MONDO:0008315, HP:0012125.

Allele frequency attached by ClinVar (database versions not stated): gnomAD 0.00001.
gnomAD v4.1: 1 of 1,613,926 alleles (0.000062%); highest among the groups gnomAD compares: Non-Finnish European, 0.000085%; no homozygotes.

Submission:

Science for Life laboratory,  Karolinska Institutet
Classification: Uncertain significance for Malignant tumor of prostate. Review status: no assertion criteria provided. Collection method: not provided. Allele origin: somatic.
Comment: TumorID:SWE-5
ClinVar note: Converted during submission from Unknown to Uncertain significance.

NM_001004459.2(OR1S2):c.463A>G (p.Ile155Val)

Gene: OR1S2 (olfactory receptor family 1 subfamily S member 2; minus strand). Cytogenetic location: 11q12.1.
Variant type: single nucleotide variant.
Coding change: c.463A>G on transcript NM_001004459.2 (MANE Select); coding-DNA position 463, A replaced by G.
Protein change: p.Ile155Val; replaces isoleucine 155 with valine.
Molecular consequence: missense variant.
Genome position (GRCh38, 1-based): chr11:58,203,680, T>C on the plus strand (A>G on the coding strand, the complement: OR1S2 is on the minus strand). VCF-style: chr11-58203680-T-C. GRCh37 (hg19) VCF-style: chr11-57971152-T-C.
Other names: short protein forms I168V, I155V.
Identifiers: ClinVar variation 161479 (VCV000161479.3), dbSNP rs193921006, ClinGen allele CA174110.